The following is an entry in ClinVar:

ClinVar aggregate classification (germline): Pathogenic. Review status: criteria provided, multiple submitters, no conflicts (2 of 4 stars). 2 submissions from 2 submitters: Pathogenic (2). Last evaluated 2024-05-01.

Conditions:
Xeroderma pigmentosum, group C (XPC). Also called: XPC-Related Xeroderma Pigmentosum; Xeroderma pigmentosum, complementation group C; XERODERMA PIGMENTOSUM III; XP, GROUP C. Identifiers: Orphanet 910, MedGen C2752147, MONDO:0010211, OMIM 278720.

Submissions (2):

Fulgent Genetics
Classification: Pathogenic for Xeroderma pigmentosum, group C. Last evaluated: 2024-05-01. Review status: criteria provided, single submitter. Criteria: ACMG Guidelines, 2015. Collection method: clinical testing. Allele origin: germline.

Labcorp Genetics (formerly Invitae), Labcorp
Classification: Pathogenic. Last evaluated: 2023-03-18. Review status: criteria provided, single submitter. Criteria: Invitae Variant Classification Sherloc (09022015). Collection method: clinical testing. Allele origin: germline.
Comment: This sequence change creates a premature translational stop signal (p.Tyr430*) in the XPC gene. It is expected to result in an absent or disrupted protein product. Loss-of-function variants in XPC are known to be pathogenic (PMID: 23173980, 25256075). This variant is not present in population databases (gnomAD no frequency). This premature translational stop signal has been observed in individual(s) with xeroderma pigmentosum (PMID: 16081512). ClinVar contains an entry for this variant (Variation ID: 940041). For these reasons, this variant has been classified as Pathogenic.

Literature cited by the submitters: PubMed 23173980 (cited by Labcorp Genetics (formerly Invitae), Labcorp); PubMed 25256075 (cited by Labcorp Genetics (formerly Invitae), Labcorp); PubMed 16081512 (cited by Labcorp Genetics (formerly Invitae), Labcorp).

NM_004628.5(XPC):c.1290_1295del (p.Tyr430_Glu432delinsTer)

Gene: XPC (XPC complex subunit, DNA damage recognition and repair factor; minus strand). Cytogenetic location: 3p25.1.
Variant type: Deletion.
Coding change: c.1290_1295del on transcript NM_004628.5 (MANE Select); coding-DNA positions 1290 to 1295, 6 bases deleted (TAAAGA; older notation c.1290_1295delTAAAGA).
Protein change: p.Tyr430_Glu432delinsTer.
Molecular consequence: nonsense. On other transcripts: non-coding transcript variant (2).
Genome position (GRCh38, 1-based): chr3:14,158,588-14,158,593, TCTTTA deleted on the plus strand (TAAAGA on the coding strand, the reverse complement: XPC is on the minus strand); deleting any 6 consecutive bases within chr3:14,158,588-14,158,594 gives the same sequence; the c. name uses the placement nearest the transcript's 3' end. VCF-style (leftmost placement, unchanged base first): chr3-14158587-CTCTTTA-C. GRCh37 (hg19) VCF-style: chr3-14200087-CTCTTTA-C.
Other names: c.711_716del, p.Tyr237_Glu239delinsTer (NM_001354726.2); c.1290_1295del, p.Tyr430_Glu432delinsTer (NM_001354727.2, NM_001354730.2); c.1272_1277del, p.Tyr424_Glu426delinsTer (NM_001354729.2).
Identifiers: ClinVar variation 940041 (VCV000940041.10), dbSNP rs1448891857, ClinGen allele CA899798109.